The following is an entry in ClinVar:

NM_012431.3(SEMA3E):c.1754C>A (p.Thr585Asn)

Gene: SEMA3E (semaphorin 3E; minus strand). Cytogenetic location: 7q21.11.
Variant type: single nucleotide variant.
Coding change: c.1754C>A on transcript NM_012431.3 (MANE Select); coding-DNA position 1754, C replaced by A.
Protein change: p.Thr585Asn; replaces threonine 585 with asparagine.
Molecular consequence: missense variant.
Genome position (GRCh38, 1-based): chr7:83,385,415, G>T on the plus strand (C>A on the coding strand, the complement: SEMA3E is on the minus strand). VCF-style: chr7-83385415-G-T. GRCh37 (hg19) VCF-style: chr7-83014731-G-T.
Other names: c.1754C>A (NM_012431.2); c.1574C>A, p.Thr525Asn (NM_001178129.2); short protein forms T525N, T585N.
Identifiers: ClinVar variation 1471220 (VCV001471220.9), dbSNP rs761147897, ClinGen allele CA4321907.
Genomic context (GRCh38, chr7:83,385,415, plus strand): 5'-CGTGGGGTACATTCCAGCAAAGTACTGTTGTTCTCTATGCCATAAGCCAGATGTTCTTCA[G>T]TCTTATCCAAAGCATCCCCTACAACAGGAACATTAATGCCATCTTTGAGACTTAGATTTT-3'
Protein context (NP_036563.1, residues 575-595): QQFVGDALDK[Thr585Asn]EEHLAYGIEN

ClinVar aggregate classification (germline): Uncertain significance. Review status: criteria provided, single submitter (1 of 4 stars). 2 submissions from 2 submitters: Uncertain significance (1). 1 of the submissions does not count toward it. Last evaluated 2025-05-10.

Conditions:
SEMA3E-related disorder. Also called: SEMA3E-related condition.
CHARGE syndrome (CHARGE). Also called: Coloboma, heart anomaly, choanal atresia, retardation, genital and ear anomalies; CHARGE association; Hall-Hittner syndrome; Hittner Hirsch Kreh syndrome; CHARGE ASSOCIATION--COLOBOMA, HEART ANOMALY, CHOANAL ATRESIA, RETARDATION, GENITAL AND EAR ANOMALIES. Identifiers: Orphanet 138, MedGen C0265354, MONDO:0008965.

Allele frequency attached by ClinVar (database versions not stated): ExAC 0.00001; gnomAD 0.00001; TOPMed 0.00001; gnomAD exomes 0.00002.
gnomAD v4.1: 29 of 1,613,230 alleles (0.0018%); highest among the groups gnomAD compares: Admixed American, 0.005%; no homozygotes.

Submissions (2):

Labcorp Genetics (formerly Invitae), Labcorp
Classification: Uncertain significance for CHARGE syndrome. Last evaluated: 2025-05-10. Review status: criteria provided, single submitter. Criteria: Invitae Variant Classification Sherloc (09022015). Collection method: clinical testing. Allele origin: germline.
Comment: This sequence change replaces threonine, which is neutral and polar, with asparagine, which is neutral and polar, at codon 585 of the SEMA3E protein (p.Thr585Asn). This variant is present in population databases (rs761147897, gnomAD 0.01%). This variant has not been reported in the literature in individuals affected with SEMA3E-related conditions. ClinVar contains an entry for this variant (Variation ID: 1471220). Invitae Evidence Modeling of protein sequence and biophysical properties (such as structural, functional, and spatial information, amino acid conservation, physicochemical variation, residue mobility, and thermodynamic stability) indicates that this missense variant is not expected to disrupt SEMA3E protein function with a negative predictive value of 80%. In summary, the available evidence is currently insufficient to determine the role of this variant in disease. Therefore, it has been classified as a Variant of Uncertain Significance.

PreventionGenetics, part of Exact Sciences
Classification: Uncertain significance for SEMA3E-related condition. Last evaluated: 2024-02-05. Review status: no assertion criteria provided. Collection method: clinical testing. Allele origin: germline. Not counted in ClinVar's aggregate classification.
Comment: The SEMA3E c.1754C>A variant is predicted to result in the amino acid substitution p.Thr585Asn. To our knowledge, this variant has not been reported in the literature. This variant is reported in 0.0099% of alleles in individuals of Ashkenazi Jewish descent in gnomAD. At this time, the clinical significance of this variant is uncertain due to the absence of conclusive functional and genetic evidence.